The following is an entry in ClinVar:

ClinVar aggregate classification (germline): Uncertain significance (1 of 4 stars; one submission).

Conditions:
Early-infantile DEE. Also called: Early infantile epileptic encephalopathy; Ohtahara syndrome; Early infantile epileptic encephalopathy with suppression bursts. Identifiers: Orphanet 1934, MedGen C0393706, MONDO:0800491.

Submission:

Labcorp Genetics (formerly Invitae), Labcorp
Classification: Uncertain significance for Early-infantile DEE. Last evaluated: 2024-02-17. Review status: criteria provided, single submitter. Criteria: Invitae Variant Classification Sherloc (09022015). Collection method: clinical testing. Allele origin: germline.
Comment: This sequence change replaces valine, which is neutral and non-polar, with alanine, which is neutral and non-polar, at codon 467 of the KCNH5 protein (p.Val467Ala). This variant is not present in population databases (gnomAD no frequency). This variant has not been reported in the literature in individuals affected with KCNH5-related conditions. ClinVar contains an entry for this variant (Variation ID: 948390). Advanced modeling of protein sequence and biophysical properties (such as structural, functional, and spatial information, amino acid conservation, physicochemical variation, residue mobility, and thermodynamic stability) performed at Invitae indicates that this missense variant is expected to disrupt KCNH5 protein function with a positive predictive value of 95%. In summary, the available evidence is currently insufficient to determine the role of this variant in disease. Therefore, it has been classified as a Variant of Uncertain Significance.

NM_139318.5(KCNH5):c.1400T>C (p.Val467Ala)

Gene: KCNH5 (potassium voltage-gated channel subfamily H member 5; minus strand). Cytogenetic location: 14q23.2.
Variant type: single nucleotide variant.
Coding change: c.1400T>C on transcript NM_139318.5 (MANE Select); coding-DNA position 1400, T replaced by C.
Protein change: p.Val467Ala; replaces valine 467 with alanine.
Molecular consequence: missense variant.
Genome position (GRCh38, 1-based): chr14:62,849,822, A>G on the plus strand (T>C on the coding strand, the complement: KCNH5 is on the minus strand). VCF-style: chr14-62849822-A-G. GRCh37 (hg19) VCF-style: chr14-63316540-A-G.
Other names: c.1400T>C, p.Val467Ala (NM_172375.3); short protein forms V467A.
Identifiers: ClinVar variation 948390 (VCV000948390.10), dbSNP rs1887769181, ClinGen allele CA390102579.